The following is an entry in ClinVar:

NM_000492.4(CFTR):c.3465C>A (p.Ser1155Arg)

Genes: CFTR (CF transmembrane conductance regulator; plus strand), CFTR-AS2 (CFTR antisense RNA 2; minus strand). Cytogenetic location: 7q31.2.
Variant type: single nucleotide variant.
Coding change: c.3465C>A on transcript NM_000492.4 (MANE Select); coding-DNA position 3465, C replaced by A.
Protein change: p.Ser1155Arg; replaces serine 1155 with arginine.
Molecular consequence: missense variant.
Genome position (GRCh38, 1-based): chr7:117,614,710, C>A. VCF-style: chr7-117614710-C-A. GRCh37 (hg19) VCF-style: chr7-117254764-C-A.
Other names: short protein forms S1155R.
Identifiers: ClinVar variation 1731669 (VCV001731669.4), dbSNP rs2485134070, ClinGen allele CA368993747.

ClinVar aggregate classification (germline): Uncertain significance. Review status: criteria provided, single submitter (1 of 4 stars). 2 submissions from 2 submitters: Uncertain significance (1). 1 of the submissions does not count toward it. Last evaluated 2020-03-20.

Conditions:
Cystic fibrosis (CF). Also called: MUCOVISCIDOSIS. Identifiers: Orphanet 586, MedGen C0010674, MONDO:0009061, OMIM 219700. Disease mechanism: loss of function.

Submissions (2):

Ambry Genetics
Classification: Uncertain significance for Cystic fibrosis. Last evaluated: 2020-03-20. Review status: criteria provided, single submitter. Criteria: Ambry Variant Classification Scheme 2023. Collection method: clinical testing. Allele origin: germline.
Comment: The p.S1155R variant (also known as c.3465C>A), located in coding exon 21 of the CFTR gene, results from a C to A substitution at nucleotide position 3465. The serine at codon 1155 is replaced by arginine, an amino acid with dissimilar properties. This amino acid position is not well conserved in available vertebrate species. In addition, this alteration is predicted to be deleterious by in silico analysis. Since supporting evidence is limited at this time, the clinical significance of this alteration remains unclear.

Payam Genetics Center, General Welfare Department of North Khorasan Province
Classification: Benign for Cystic fibrosis. Last evaluated: 2023-03-01. Review status: no assertion criteria provided. Collection method: clinical testing. Allele origin: germline. Affected: no. Observed: 1 variant allele. Not counted in ClinVar's aggregate classification.

Literature cited by the submitters: PubMed 34964109 (cited by Payam Genetics Center, General Welfare Department of North Khorasan Province); PubMed 20301773 (cited by Payam Genetics Center, General Welfare Department of North Khorasan Province).